The following is an entry in ClinVar:

ClinVar aggregate classification (germline): Pathogenic. Review status: criteria provided, multiple submitters, no conflicts (2 of 4 stars). 2 submissions from 2 submitters: Pathogenic (2). Last evaluated 2024-07-30.

Allele frequency attached by ClinVar (database versions not stated): gnomAD exomes below 0.00001; gnomAD 0.00001; TOPMed 0.00001.

Submissions (2):

GeneDx
Classification: Pathogenic. Last evaluated: 2024-07-30. Review status: criteria provided, single submitter. Criteria: GeneDx Variant Classification Process June 2021. Collection method: clinical testing. Allele origin: germline. Affected: yes.
Comment: Frameshift variant predicted to result in protein truncation or nonsense mediated decay in a gene for which loss of function is a known mechanism of disease; Has not been previously published as pathogenic or benign to our knowledge

Labcorp Genetics (formerly Invitae), Labcorp
Classification: Pathogenic. Last evaluated: 2022-10-24. Review status: criteria provided, single submitter. Criteria: Invitae Variant Classification Sherloc (09022015). Collection method: clinical testing. Allele origin: germline.
Comment: This sequence change creates a premature translational stop signal (p.Asn1456Lysfs*7) in the UNC80 gene. It is expected to result in an absent or disrupted protein product. Loss-of-function variants in UNC80 are known to be pathogenic (PMID: 26545877, 26708751, 26708753). This variant is not present in population databases (gnomAD no frequency). This variant has not been reported in the literature in individuals affected with UNC80-related conditions. For these reasons, this variant has been classified as Pathogenic.

Literature cited by the submitters: PubMed 26545877 (cited by Labcorp Genetics (formerly Invitae), Labcorp); PubMed 26708751 (cited by Labcorp Genetics (formerly Invitae), Labcorp); PubMed 26708753 (cited by Labcorp Genetics (formerly Invitae), Labcorp).

NM_001371986.1(UNC80):c.4566del (p.Asn1522fs)

Gene: UNC80 (unc-80 homolog, NALCN channel complex subunit; plus strand). Cytogenetic location: 2q34.
Variant type: Deletion.
Coding change: c.4566del on transcript NM_001371986.1 (MANE Select); coding-DNA position 4566, one base deleted (C; older notation c.4566delC).
Protein change: p.Asn1522fs; shifts the reading frame from asparagine 1522.
Molecular consequence: frameshift variant.
Genome position (GRCh38, 1-based): chr2:209,896,398, C deleted. VCF-style (leftmost placement, unchanged base first): chr2-209896397-AC-A. GRCh37 (hg19) VCF-style: chr2-210761121-AC-A.
Other names: c.4368del, p.Asn1456fs (NM_032504.2); c.4353del, p.Asn1451fs (NM_182587.4); c.4368del (NM_032504.1); short protein forms N1451fs, N1522fs, N1456fs.
Identifiers: ClinVar variation 1927791 (VCV001927791.4), dbSNP rs778056528, ClinGen allele CA2083208.